The following is an entry in ClinVar:

NM_001261826.3(AP3D1):c.1316C>A (p.Ala439Asp)

Gene: AP3D1 (adaptor related protein complex 3 subunit delta 1; minus strand). Cytogenetic location: 19p13.3.
Variant type: single nucleotide variant.
Coding change: c.1316C>A on transcript NM_001261826.3 (MANE Select); coding-DNA position 1316, C replaced by A.
Protein change: p.Ala439Asp; replaces alanine 439 with aspartic acid.
Molecular consequence: missense variant.
Genome position (GRCh38, 1-based): chr19:2,121,027, G>T on the plus strand (C>A on the coding strand, the complement: AP3D1 is on the minus strand). VCF-style: chr19-2121027-G-T. GRCh37 (hg19) VCF-style: chr19-2121026-G-T.
Other names: c.1316C>A, p.Ala439Asp (NM_001374799.1, NM_003938.8); short protein forms A439D.
Identifiers: ClinVar variation 3687064 (VCV003687064.2).

ClinVar aggregate classification (germline): Uncertain significance (1 of 4 stars; one submission).

Submission:

Labcorp Genetics (formerly Invitae), Labcorp
Classification: Uncertain significance. Last evaluated: 2025-09-02. Review status: criteria provided, single submitter. Criteria: Invitae Variant Classification Sherloc (09022015). Collection method: clinical testing. Allele origin: germline.
Comment: This sequence change replaces alanine, which is neutral and non-polar, with aspartic acid, which is acidic and polar, at codon 439 of the AP3D1 protein (p.Ala439Asp). This variant is not present in population databases (gnomAD no frequency). This variant has not been reported in the literature in individuals affected with AP3D1-related conditions. ClinVar contains an entry for this variant (Variation ID: 3687064). An algorithm developed to predict the effect of missense changes on protein structure and function (PolyPhen-2) suggests that this variant is likely to be tolerated. In summary, the available evidence is currently insufficient to determine the role of this variant in disease. Therefore, it has been classified as a Variant of Uncertain Significance.